The following is an entry in ClinVar:

ClinVar aggregate classification (germline): Uncertain significance (0 of 4 stars; one submission).

Submission:

Institute of Anatomy and Cell Biology, Medical Faculty, University Of Bonn
Classification: Uncertain significance. Last evaluated: 2023-08-16. Review status: no assertion criteria provided. Collection method: clinical testing. Allele origin: inherited. Affected: yes.
Comment: This variant was observed in compound heterozygosity with variant c.8480C>A

NM_001407.3(CELSR3):c.7224_7226del (p.Ile2409del)

Gene: CELSR3 (cadherin EGF LAG seven-pass G-type receptor 3; minus strand). Cytogenetic location: 3p21.31.
Variant type: Deletion.
Coding change: c.7224_7226del on transcript NM_001407.3 (MANE Select); coding-DNA positions 7224 to 7226, 3 bases deleted (CAT; older notation c.7224_7226delCAT).
Protein change: p.Ile2409del; deletes isoleucine 2409.
Molecular consequence: inframe deletion.
Genome position (GRCh38, 1-based): chr3:48,646,832-48,646,834, ATG deleted on the plus strand (CAT on the coding strand, the reverse complement: CELSR3 is on the minus strand); deleting any 3 consecutive bases within chr3:48,646,832-48,646,836 gives the same sequence; the c. name uses the placement nearest the transcript's 3' end. VCF-style (leftmost placement, unchanged base first): chr3-48646831-AATG-A. GRCh37 (hg19) VCF-style: chr3-48684264-AATG-A.
Other names: short protein forms I2409del.
Identifiers: ClinVar variation 2672073 (VCV002672073.1), dbSNP rs775682700, ClinGen allele CA2384265.